The following is an entry in ClinVar:

ClinVar aggregate classification (germline): Uncertain significance (1 of 4 stars; one submission).

Submission:

GeneDx
Classification: Uncertain significance. Last evaluated: 2024-12-22. Review status: criteria provided, single submitter. Criteria: GeneDx Variant Classification Process June 2021. Collection method: clinical testing. Allele origin: germline. Affected: yes.
Comment: Not observed at significant frequency in large population cohorts (gnomAD); In silico analysis supports that this missense variant has a deleterious effect on protein structure/function; Has not been previously published as pathogenic or benign to our knowledge

NM_001007527.2(LMBRD2):c.680A>T (p.Tyr227Phe)

Gene: LMBRD2 (LMBR1 domain containing 2; minus strand). Cytogenetic location: 5p13.2.
Variant type: single nucleotide variant.
Coding change: c.680A>T on transcript NM_001007527.2 (MANE Select); coding-DNA position 680, A replaced by T.
Protein change: p.Tyr227Phe; replaces tyrosine 227 with phenylalanine.
Molecular consequence: missense variant.
Genome position (GRCh38, 1-based): chr5:36,136,376, T>A on the plus strand (A>T on the coding strand, the complement: LMBRD2 is on the minus strand). VCF-style: chr5-36136376-T-A. GRCh37 (hg19) VCF-style: chr5-36136478-T-A.
Other names: short protein forms Y227F.
Identifiers: ClinVar variation 3907829 (VCV003907829.1).